The following is an entry in ClinVar:

ClinVar aggregate classification (germline): Uncertain significance. Review status: criteria provided, multiple submitters, no conflicts (2 of 4 stars). 2 submissions from 2 submitters: Uncertain significance (2). Last evaluated 2025-08-01.

Conditions:
Hypertrophic cardiomyopathy. Also called: HYPERTROPHIC MYOCARDIOPATHY. Identifiers: Orphanet 217569, MedGen C0007194, MeSH D002312, MONDO:0005045, HP:0001639.

Allele frequency attached by ClinVar (database versions not stated): ExAC 0.00001; gnomAD 0.00001; TOPMed 0.00001; gnomAD exomes 0.00002.
gnomAD v4.1: 26 of 1,606,548 alleles (0.0016%); highest among the groups gnomAD compares: Non-Finnish European, 0.0022%; no homozygotes.

Submissions (2):

Ambry Genetics
Classification: Uncertain significance. Last evaluated: 2025-08-01. Review status: criteria provided, single submitter. Criteria: Ambry Variant Classification Scheme 2023. Collection method: clinical testing. Allele origin: germline.

Labcorp Genetics (formerly Invitae), Labcorp
Classification: Uncertain significance for Hypertrophic cardiomyopathy. Last evaluated: 2025-04-13. Review status: criteria provided, single submitter. Criteria: Invitae Variant Classification Sherloc (09022015). Collection method: clinical testing. Allele origin: germline.
Comment: This sequence change replaces histidine, which is basic and polar, with leucine, which is neutral and non-polar, at codon 1388 of the MYOM1 protein (p.His1388Leu). This variant is present in population databases (rs768319412, gnomAD 0.002%). This variant has not been reported in the literature in individuals affected with MYOM1-related conditions. ClinVar contains an entry for this variant (Variation ID: 1943670). Invitae Evidence Modeling of protein sequence and biophysical properties (such as structural, functional, and spatial information, amino acid conservation, physicochemical variation, residue mobility, and thermodynamic stability) indicates that this missense variant is not expected to disrupt MYOM1 protein function with a negative predictive value of 80%. In summary, the available evidence is currently insufficient to determine the role of this variant in disease. Therefore, it has been classified as a Variant of Uncertain Significance.

NM_003803.4(MYOM1):c.4163A>T (p.His1388Leu)

Gene: MYOM1 (myomesin 1; minus strand). Cytogenetic location: 18p11.31.
Variant type: single nucleotide variant.
Coding change: c.4163A>T on transcript NM_003803.4 (MANE Select); coding-DNA position 4163, A replaced by T.
Protein change: p.His1388Leu; replaces histidine 1388 with leucine.
Molecular consequence: missense variant.
Genome position (GRCh38, 1-based): chr18:3,086,126, T>A on the plus strand (A>T on the coding strand, the complement: MYOM1 is on the minus strand). VCF-style: chr18-3086126-T-A. GRCh37 (hg19) VCF-style: chr18-3086124-T-A.
Other names: c.3875A>T, p.His1292Leu (NM_019856.2); short protein forms H1292L, H1388L.
Identifiers: ClinVar variation 1943670 (VCV001943670.6), dbSNP rs768319412, ClinGen allele CA8874026.